The following is an entry in ClinVar:

ClinVar aggregate classification (germline): Uncertain significance (1 of 4 stars; one submission).

Submission:

Labcorp Genetics (formerly Invitae), Labcorp
Classification: Uncertain significance. Last evaluated: 2022-10-17. Review status: criteria provided, single submitter. Criteria: Invitae Variant Classification Sherloc (09022015). Collection method: clinical testing. Allele origin: germline.
Comment: This variant results in the deletion of part of exon 8 (c.707-639_716del ) of the SAMD11 gene. It is expected to disrupt RNA splicing. Variants that disrupt the donor or acceptor splice site typically lead to a loss of protein function (PMID: 16199547), however the current clinical and genetic evidence is not sufficient to establish whether loss-of-function variants in SAMD11 cause disease. In summary, the available evidence is currently insufficient to determine the role of this variant in disease. Therefore, it has been classified as a Variant of Uncertain Significance. ClinVar contains an entry for this variant (Variation ID: 1465721). This variant has not been reported in the literature in individuals affected with SAMD11-related conditions. This variant is not present in population databases (gnomAD no frequency).

Literature cited by the submitters: PubMed 16199547.

NM_001385641.1(SAMD11):c.1196-639_1205del

Gene: SAMD11 (sterile alpha motif domain containing 11; plus strand). Cytogenetic location: 1p36.33.
Variant type: Deletion.
Coding change: c.1196-639_1205del on transcript NM_001385641.1 (MANE Select); 639 bases into the intron before coding-DNA position 1196 through coding-DNA position 1205, 649 bases deleted.
Molecular consequence: splice acceptor variant.
Genome position (GRCh38, 1-based): chr1:940,505-941,153, 649 bases deleted. GRCh37 (hg19): chr1:875,885-876,533.
Other names: c.1199-639_1208del (NM_001385640.1); c.707-639_716del (NM_152486.4).
Identifiers: ClinVar variation 1465721 (VCV001465721.5), dbSNP rs2100348898, ClinGen allele CA2573131893.